The following is an entry in ClinVar:

NM_000301.5(PLG):c.1637C>G (p.Thr546Arg)

Gene: PLG (plasminogen; plus strand). Cytogenetic location: 6q26.
Variant type: single nucleotide variant.
Coding change: c.1637C>G on transcript NM_000301.5 (MANE Select); coding-DNA position 1637, C replaced by G.
Protein change: p.Thr546Arg; replaces threonine 546 with arginine.
Molecular consequence: missense variant.
Genome position (GRCh38, 1-based): chr6:160,734,044, C>G. VCF-style: chr6-160734044-C-G. GRCh37 (hg19) VCF-style: chr6-161155076-C-G.
Other names: short protein forms T546R.
Identifiers: ClinVar variation 2789757 (VCV002789757.4), dbSNP rs768997330, ClinGen allele CA366364674.
Genomic context (GRCh38, chr6:160,734,044, plus strand): 5'-CTTGTTTTCAGTACTGCCGTAACCCTGATGGTGATGTAGGTGGTCCCTGGTGCTACACGA[C>G]AAATCCAAGAAAACTTTACGACTACTGTGATGTCCCTCAGTGTGGTAGGTTGCCTTCTTT-3'
Protein context (NP_000292.1, residues 536-556): GDVGGPWCYT[Thr546Arg]NPRKLYDYCD

ClinVar aggregate classification (germline): Uncertain significance. Review status: criteria provided, multiple submitters, no conflicts (2 of 4 stars). 2 submissions from 2 submitters: Uncertain significance (2). Last evaluated 2024-01-04.

Conditions:
Inborn genetic diseases. Identifiers: MedGen C0950123, MeSH D030342.

Allele frequency attached by ClinVar (database versions not stated): TOPMed 0.00001.
gnomAD v4.1: 3 of 1,611,948 alleles (0.00019%); highest among the groups gnomAD compares: Admixed American, 0.005%; no homozygotes.

Submissions (2):

Ambry Genetics
Classification: Uncertain significance for Inborn genetic diseases. Last evaluated: 2024-01-04. Review status: criteria provided, single submitter. Criteria: Ambry Variant Classification Scheme 2023. Collection method: clinical testing. Allele origin: germline.

Labcorp Genetics (formerly Invitae), Labcorp
Classification: Uncertain significance. Last evaluated: 2023-02-25. Review status: criteria provided, single submitter. Criteria: Invitae Variant Classification Sherloc (09022015). Collection method: clinical testing. Allele origin: germline.
Comment: In summary, the available evidence is currently insufficient to determine the role of this variant in disease. Therefore, it has been classified as a Variant of Uncertain Significance. Advanced modeling of protein sequence and biophysical properties (such as structural, functional, and spatial information, amino acid conservation, physicochemical variation, residue mobility, and thermodynamic stability) performed at Invitae indicates that this missense variant is not expected to disrupt PLG protein function. This variant has not been reported in the literature in individuals affected with PLG-related conditions. This variant is not present in population databases (gnomAD no frequency). This sequence change replaces threonine, which is neutral and polar, with arginine, which is basic and polar, at codon 546 of the PLG protein (p.Thr546Arg).